The following is an entry in ClinVar:

ClinVar aggregate classification (germline): Uncertain significance. Review status: criteria provided, multiple submitters, no conflicts (2 of 4 stars). 2 submissions from 2 submitters: Uncertain significance (2). Last evaluated 2025-10-21.

Conditions:
Inborn genetic diseases. Identifiers: MedGen C0950123, MeSH D030342.
Isolated microphthalmia 3 (MCOPS16). Also called: MICROPHTHALMIA, SYNDROMIC 16. Identifiers: Orphanet 2542, MedGen C5774181, MONDO:0012604, OMIM 611038.

Allele frequency attached by ClinVar (database versions not stated): gnomAD 0.00003; TOPMed 0.00003; gnomAD exomes 0.00007; ExAC 0.00034.
gnomAD v4.1: 107 of 1,558,106 alleles (0.0069%); highest among the groups gnomAD compares: South Asian, 0.024%; no homozygotes.

Submissions (2):

Ambry Genetics
Classification: Uncertain significance for Inborn genetic diseases. Last evaluated: 2025-10-21. Review status: criteria provided, single submitter. Criteria: Ambry Variant Classification Scheme 2023. Collection method: clinical testing. Allele origin: germline.

Labcorp Genetics (formerly Invitae), Labcorp
Classification: Uncertain significance for Isolated microphthalmia 3. Last evaluated: 2022-07-17. Review status: criteria provided, single submitter. Criteria: Invitae Variant Classification Sherloc (09022015). Collection method: clinical testing. Allele origin: germline.
Comment: This sequence change replaces leucine, which is neutral and non-polar, with phenylalanine, which is neutral and non-polar, at codon 289 of the RAX protein (p.Leu289Phe). This variant is present in population databases (rs770271072, gnomAD 0.03%). This variant has not been reported in the literature in individuals affected with RAX-related conditions. Algorithms developed to predict the effect of missense changes on protein structure and function are either unavailable or do not agree on the potential impact of this missense change (SIFT: "Tolerated"; PolyPhen-2: "Possibly Damaging"; Align-GVGD: "Class C0"). In summary, the available evidence is currently insufficient to determine the role of this variant in disease. Therefore, it has been classified as a Variant of Uncertain Significance.

NM_013435.3(RAX):c.867G>T (p.Leu289Phe)

Gene: RAX (retina and anterior neural fold homeobox; minus strand). Cytogenetic location: 18q21.32.
Variant type: single nucleotide variant.
Coding change: c.867G>T on transcript NM_013435.3 (MANE Select); coding-DNA position 867, G replaced by T.
Protein change: p.Leu289Phe; replaces leucine 289 with phenylalanine.
Molecular consequence: missense variant.
Genome position (GRCh38, 1-based): chr18:59,269,178, C>A on the plus strand (G>T on the coding strand, the complement: RAX is on the minus strand). VCF-style: chr18-59269178-C-A. GRCh37 (hg19) VCF-style: chr18-56936410-C-A.
Other names: c.867G>T (NM_013435.2); short protein forms L289F.
Identifiers: ClinVar variation 2055375 (VCV002055375.4), dbSNP rs770271072, ClinGen allele CA8979260.
Genomic context (GRCh38, chr18:59,269,178, plus strand): 5'-GAAGCCGGGCCCGCACGGGTAGGAGGGCGGCGGCGGCGCGAGAGGTTGCAGGCCGGGGCC[C>A]AACGGCGGGGAGTTCAGGAAGGGCGGAGGCGGCGGCGGTGGCGTGTAGCTGGCAGGCAGG-3'
Protein context (NP_038463.2, residues 279-299): PPPPFLNSPP[Leu289Phe]GPGLQPLAPP